The following is an entry in ClinVar:

ClinVar aggregate classification (germline): Uncertain significance (1 of 4 stars; one submission).

gnomAD v4.1: 1 of 1,613,980 alleles (0.000062%); highest among the groups gnomAD compares: Admixed American, 0.0017%; no homozygotes.

Submission:

Labcorp Genetics (formerly Invitae), Labcorp
Classification: Uncertain significance. Last evaluated: 2023-11-04. Review status: criteria provided, single submitter. Criteria: Invitae Variant Classification Sherloc (09022015). Collection method: clinical testing. Allele origin: germline.
Comment: This sequence change replaces alanine, which is neutral and non-polar, with valine, which is neutral and non-polar, at codon 7 of the MMP13 protein (p.Ala7Val). This variant is present in population databases (no rsID available, gnomAD 0.003%). This variant has not been reported in the literature in individuals affected with MMP13-related conditions. Algorithms developed to predict the effect of missense changes on protein structure and function output the following: SIFT: "Not Available"; PolyPhen-2: "Benign"; Align-GVGD: "Not Available". The valine amino acid residue is found in multiple mammalian species, which suggests that this missense change does not adversely affect protein function. In summary, the available evidence is currently insufficient to determine the role of this variant in disease. Therefore, it has been classified as a Variant of Uncertain Significance.

NM_002427.4(MMP13):c.20C>T (p.Ala7Val)

Genes: MMP13 (matrix metallopeptidase 13; minus strand), LOC126861318 (BRD4-independent group 4 enhancer GRCh37_chr11:102825894-102827093; plus strand). Cytogenetic location: 11q22.2.
Variant type: single nucleotide variant.
Coding change: c.20C>T on transcript NM_002427.4 (MANE Select); coding-DNA position 20, C replaced by T.
Protein change: p.Ala7Val; replaces alanine 7 with valine.
Molecular consequence: missense variant.
Genome position (GRCh38, 1-based): chr11:102,955,686, G>A on the plus strand (C>T on the coding strand, the complement: MMP13 is on the minus strand). VCF-style: chr11-102955686-G-A. GRCh37 (hg19) VCF-style: chr11-102826415-G-A.
Other names: short protein forms A7V.
Identifiers: ClinVar variation 2693287 (VCV002693287.3), dbSNP rs760915237, ClinGen allele CA382233887.